The following is an entry in ClinVar:

NM_000264.5(PTCH1):c.1712G>T (p.Arg571Leu)

Gene: PTCH1 (patched 1; minus strand). Cytogenetic location: 9q22.32.
Variant type: single nucleotide variant.
Coding change: c.1712G>T on transcript NM_000264.5 (MANE Select); coding-DNA position 1712, G replaced by T.
Protein change: p.Arg571Leu; replaces arginine 571 with leucine.
Molecular consequence: missense variant. On other transcripts: non-coding transcript variant (1).
Genome position (GRCh38, 1-based): chr9:95,476,050, C>A on the plus strand (G>T on the coding strand, the complement: PTCH1 is on the minus strand). VCF-style: chr9-95476050-C-A. GRCh37 (hg19) VCF-style: chr9-98238332-C-A.
Other names: c.1514G>T, p.Arg505Leu (NM_001083602.3); c.1709G>T, p.Arg570Leu (NM_001083603.3); c.1259G>T, p.Arg420Leu (NM_001083604.3, NM_001083605.3, NM_001083606.3 and 1 more transcripts); c.1556G>T, p.Arg519Leu (NM_001354918.2); short protein forms R420L, R505L, R519L, R570L, R571L.
Identifiers: ClinVar variation 3230951 (VCV003230951.2), dbSNP rs377566861, ClinGen allele CA374117905.

ClinVar aggregate classification (germline): Uncertain significance (1 of 4 stars; one submission).

Conditions:
Hereditary cancer-predisposing syndrome. Also called: Neoplastic Syndromes, Hereditary; Tumor predisposition; Hereditary Cancer Syndrome; Hereditary neoplastic syndrome. Identifiers: Orphanet 140162, MedGen C0027672, MeSH D009386, MONDO:0015356.

Submission:

Ambry Genetics
Classification: Uncertain significance for Hereditary cancer-predisposing syndrome. Last evaluated: 2026-05-05. Review status: criteria provided, single submitter. Criteria: Ambry Variant Classification Scheme 2023. Collection method: clinical testing. Allele origin: germline.
Comment: The p.R571L variant (also known as c.1712G>T), located in coding exon 12 of the PTCH1 gene, results from a G to T substitution at nucleotide position 1712. The arginine at codon 571 is replaced by leucine, an amino acid with dissimilar properties. This amino acid position is conserved. In addition, this alteration is predicted to be deleterious by in silico analysis. Based on the available evidence, the clinical significance of this variant remains unclear.